The following is an entry in ClinVar:

ClinVar aggregate classification (germline): Uncertain significance. Review status: criteria provided, multiple submitters, no conflicts (2 of 4 stars). 2 submissions from 2 submitters: Uncertain significance (2). Last evaluated 2025-03-14.

Conditions:
Hereditary cancer-predisposing syndrome. Also called: Hereditary neoplastic syndrome; Tumor predisposition; Neoplastic Syndromes, Hereditary; Hereditary Cancer Syndrome. Identifiers: Orphanet 140162, MedGen C0027672, MeSH D009386, MONDO:0015356.

Submissions (2):

Ambry Genetics
Classification: Uncertain significance for Hereditary cancer-predisposing syndrome. Last evaluated: 2025-03-14. Review status: criteria provided, single submitter. Criteria: Ambry Variant Classification Scheme 2023. Collection method: clinical testing. Allele origin: germline.
Comment: The p.D1170H variant (also known as c.3508G>C), located in coding exon 23 of the RAD50 gene, results from a G to C substitution at nucleotide position 3508. The aspartic acid at codon 1170 is replaced by histidine, an amino acid with similar properties. This amino acid position is highly conserved in available vertebrate species. In addition, this alteration is predicted to be deleterious by in silico analysis. Since supporting evidence is limited at this time, the clinical significance of this alteration remains unclear.

Labcorp Genetics (formerly Invitae), Labcorp
Classification: Uncertain significance for Hereditary cancer-predisposing syndrome. Last evaluated: 2023-10-26. Review status: criteria provided, single submitter. Criteria: Invitae Variant Classification Sherloc (09022015). Collection method: clinical testing. Allele origin: germline.
Comment: This sequence change replaces aspartic acid, which is acidic and polar, with histidine, which is basic and polar, at codon 1170 of the RAD50 protein (p.Asp1170His). This variant is not present in population databases (gnomAD no frequency). This variant has not been reported in the literature in individuals affected with RAD50-related conditions. ClinVar contains an entry for this variant (Variation ID: 1502972). Advanced modeling of protein sequence and biophysical properties (such as structural, functional, and spatial information, amino acid conservation, physicochemical variation, residue mobility, and thermodynamic stability) performed at Invitae indicates that this missense variant is expected to disrupt RAD50 protein function with a positive predictive value of 80%. In summary, the available evidence is currently insufficient to determine the role of this variant in disease. Therefore, it has been classified as a Variant of Uncertain Significance.

NM_005732.4(RAD50):c.3508G>C (p.Asp1170His)

Genes: RAD50 (RAD50 double strand break repair protein; plus strand), TH2-LCR (Th2 cytokine locus control region; plus strand), TH2LCRR (T helper type 2 locus control region associated RNA; minus strand). Cytogenetic location: 5q31.1.
Variant type: single nucleotide variant.
Coding change: c.3508G>C on transcript NM_005732.4 (MANE Select); coding-DNA position 3508, G replaced by C.
Protein change: p.Asp1170His; replaces aspartic acid 1170 with histidine.
Molecular consequence: missense variant. On other transcripts: non-coding transcript variant (2).
Genome position (GRCh38, 1-based): chr5:132,638,113, G>C. VCF-style: chr5-132638113-G-C. GRCh37 (hg19) VCF-style: chr5-131973805-G-C.
Other names: short protein forms D1170H.
Identifiers: ClinVar variation 1502972 (VCV001502972.11), dbSNP rs397507179, ClinGen allele CA360931258.